The following is an entry in ClinVar:

NM_001366385.1(CARD14):c.1858T>A (p.Tyr620Asn)

Genes: CARD14 (caspase recruitment domain family member 14; plus strand), SGSH (N-sulfoglucosamine sulfohydrolase; minus strand). Cytogenetic location: 17q25.3.
Variant type: single nucleotide variant.
Coding change: c.1858T>A on transcript NM_001366385.1 (MANE Select); coding-DNA position 1858, T replaced by A.
Protein change: p.Tyr620Asn; replaces tyrosine 620 with asparagine.
Molecular consequence: missense variant. On other transcripts: non-coding transcript variant (1).
Genome position (GRCh38, 1-based): chr17:80,201,750, T>A. VCF-style: chr17-80201750-T-A. GRCh37 (hg19) VCF-style: chr17-78175549-T-A.
Other names: c.1858T>A, p.Tyr620Asn (NM_001257970.1, NM_024110.4); short protein forms Y620N.
Identifiers: ClinVar variation 2941848 (VCV002941848.3), dbSNP rs1302476342, ClinGen allele CA401352292.

ClinVar aggregate classification (germline): Uncertain significance (1 of 4 stars; one submission).

Conditions:
Psoriasis 2. Identifiers: MedGen C1864497, MONDO:0011269, OMIM 602723.
Pityriasis rubra pilaris (PRP). Also called: Pityriasis rubra pilaris--familial type. Identifiers: Orphanet 2897, MedGen C0032027, MONDO:0100017, OMIM 173200, MONDO:0008251.

Submission:

Labcorp Genetics (formerly Invitae), Labcorp
Classification: Uncertain significance for Pityriasis rubra pilaris; Psoriasis 2. Last evaluated: 2025-02-17. Review status: criteria provided, single submitter. Criteria: Invitae Variant Classification Sherloc (09022015). Collection method: clinical testing. Allele origin: germline.
Comment: This sequence change replaces tyrosine, which is neutral and polar, with asparagine, which is neutral and polar, at codon 620 of the CARD14 protein (p.Tyr620Asn). This variant is not present in population databases (gnomAD no frequency). This variant has not been reported in the literature in individuals affected with CARD14-related conditions. ClinVar contains an entry for this variant (Variation ID: 2941848). Invitae Evidence Modeling of protein sequence and biophysical properties (such as structural, functional, and spatial information, amino acid conservation, physicochemical variation, residue mobility, and thermodynamic stability) indicates that this missense variant is not expected to disrupt CARD14 protein function with a negative predictive value of 95%. In summary, the available evidence is currently insufficient to determine the role of this variant in disease. Therefore, it has been classified as a Variant of Uncertain Significance.